The following is an entry in ClinVar:

NM_001265592.2(PLEKHG5):c.-54+10T>G

Gene: PLEKHG5 (pleckstrin homology and RhoGEF domain containing G5; minus strand). Cytogenetic location: 1p36.31.
Variant type: single nucleotide variant.
Coding change: c.-54+10T>G on transcript NM_001265592.2; 10 bases into the intron after 54 bases upstream of the start codon, T replaced by G.
Molecular consequence: intron variant.
Genome position (GRCh38, 1-based): chr1:6,496,949, A>C on the plus strand (T>G on the coding strand, the complement: PLEKHG5 is on the minus strand). VCF-style: chr1-6496949-A-C. GRCh37 (hg19) VCF-style: chr1-6557009-A-C.
Other names: NC_000001.10:g.6557009A>C; c.-164-380T>G (NM_198681.4); c.-54+371T>G (NM_001042663.3).
Identifiers: ClinVar variation 380861 (VCV000380861.6), dbSNP rs3007430, ClinGen allele CA562119.

ClinVar aggregate classification (germline): Benign. Review status: criteria provided, multiple submitters, no conflicts (2 of 4 stars). 3 submissions from 3 submitters: Benign (3). Last evaluated 2024-11-26.

Allele frequency attached by ClinVar (database versions not stated): gnomAD 0.27110 and 0.27661; 1000 Genomes Project 0.32448; 1000 Genomes Project 30x 0.32886; gnomAD exomes 0.13591 and 0.16947; ExAC 0.19428; TOPMed 0.28538.
gnomAD v4.1: 229,109 of 1,519,982 alleles (15%); highest among the groups gnomAD compares: African/African-American, 61%; 27,165 homozygotes.

Submissions (11):

Blueprint Genetics
Classification: Benign. Last evaluated: 2024-11-26. Review status: criteria provided, single submitter. Criteria: ACMG Guidelines, 2015. Collection method: clinical testing. Allele origin: germline.

GeneDx
Classification: Benign. Last evaluated: 2016-01-14. Review status: criteria provided, single submitter. Criteria: GeneDx Variant Classification (06012015). Collection method: clinical testing. Allele origin: germline. Affected: yes.
Comment: This variant is considered likely benign or benign based on one or more of the following criteria: it is a conservative change, it occurs at a poorly conserved position in the protein, it is predicted to be benign by multiple in silico algorithms, and/or has population frequency not consistent with disease.

Breakthrough Genomics
Classification: Benign. Review status: criteria provided, single submitter. Criteria: ACMG Guidelines, 2015. Collection method: not provided. Allele origin: germline. Inheritance: Autosomal recessive inheritance. Affected: yes.

Dr. Peter K. Rogan Lab, Western University
No classification provided (evidence only). Condition: Uterine corpus endometrial carcinoma. Review status: no classification provided. Collection method: in vitro. Allele origin: not applicable. Functional consequence: retained intron. Not counted in ClinVar's aggregate classification.

Dr. Peter K. Rogan Lab, Western University
No classification provided (evidence only). Condition: Uterine carcinosarcoma. Review status: no classification provided. Collection method: in vitro. Allele origin: not applicable. Functional consequence: retained intron. Not counted in ClinVar's aggregate classification.

Dr. Peter K. Rogan Lab, Western University
No classification provided (evidence only). Condition: Uterine carcinosarcoma. Review status: no classification provided. Collection method: in vitro. Allele origin: not applicable. Functional consequence: retained intron. Not counted in ClinVar's aggregate classification.

Dr. Peter K. Rogan Lab, Western University
No classification provided (evidence only). Condition: Uterine carcinosarcoma. Review status: no classification provided. Collection method: in vitro. Allele origin: not applicable. Functional consequence: retained intron. Not counted in ClinVar's aggregate classification.

Dr. Peter K. Rogan Lab, Western University
No classification provided (evidence only). Condition: Hepatocellular carcinoma. Review status: no classification provided. Collection method: in vitro. Allele origin: not applicable. Functional consequence: retained intron. Not counted in ClinVar's aggregate classification.

Dr. Peter K. Rogan Lab, Western University
No classification provided (evidence only). Condition: Hepatocellular carcinoma. Review status: no classification provided. Collection method: in vitro. Allele origin: not applicable. Functional consequence: cryptic splice site. Not counted in ClinVar's aggregate classification.

Dr. Peter K. Rogan Lab, Western University
No classification provided (evidence only). Condition: Lymphoma. Review status: no classification provided. Collection method: in vitro. Allele origin: not applicable. Functional consequence: retained intron. Not counted in ClinVar's aggregate classification.

Dr. Peter K. Rogan Lab, Western University
No classification provided (evidence only). Condition: Lymphoma. Review status: no classification provided. Collection method: in vitro. Allele origin: not applicable. Functional consequence: retained intron. Not counted in ClinVar's aggregate classification.